The following is an entry in ClinVar:

ClinVar aggregate classification (germline): Uncertain significance (1 of 4 stars; one submission).

Conditions:
Dyskeratosis congenita, autosomal dominant 6 (DKCA6). Identifiers: Orphanet 3322, MedGen C4225284, MONDO:0014690, OMIM 616553.

Allele frequency attached by ClinVar (database versions not stated): gnomAD exomes below 0.00001; TOPMed 0.00002.

Submission:

Labcorp Genetics (formerly Invitae), Labcorp
Classification: Uncertain significance for Dyskeratosis congenita, autosomal dominant 6. Last evaluated: 2023-02-16. Review status: criteria provided, single submitter. Criteria: Invitae Variant Classification Sherloc (09022015). Collection method: clinical testing. Allele origin: germline.
Comment: ClinVar contains an entry for this variant (Variation ID: 1463655). Variants that disrupt the consensus splice site are a relatively common cause of aberrant splicing (PMID: 17576681, 9536098). Algorithms developed to predict the effect of sequence changes on RNA splicing suggest that this variant is not likely to affect RNA splicing. In summary, the available evidence is currently insufficient to determine the role of this variant in disease. Therefore, it has been classified as a Variant of Uncertain Significance. This variant has not been reported in the literature in individuals affected with ACD-related conditions. This sequence change falls in intron 6 of the ACD gene. It does not directly change the encoded amino acid sequence of the ACD protein. It affects a nucleotide within the consensus splice site. This variant is not present in population databases (gnomAD no frequency).

Literature cited by the submitters: PubMed 17576681; PubMed 9536098.

NM_001082486.2(ACD):c.493+6G>A

Gene: ACD (ACD shelterin complex subunit and telomerase recruitment factor; minus strand). Cytogenetic location: 16q22.1.
Variant type: single nucleotide variant.
Coding change: c.493+6G>A on transcript NM_001082486.2 (MANE Select); 6 bases into the intron after coding-DNA position 493, G replaced by A.
Molecular consequence: intron variant.
Genome position (GRCh38, 1-based): chr16:67,659,223, C>T on the plus strand (G>A on the coding strand, the complement: ACD is on the minus strand). VCF-style: chr16-67659223-C-T. GRCh37 (hg19) VCF-style: chr16-67693126-C-T.
Other names: c.484+6G>A (NM_022914.3).
Identifiers: ClinVar variation 1463655 (VCV001463655.6), dbSNP rs2052945054, ClinGen allele CA2229423763.
Genomic context (GRCh38, chr16:67,659,223, plus strand): 5'-CATAAGGTTAAGGCTGGAGAGATCACTGCACAGCGTGTTAGGATCACTGGTCAAGCTCTA[C>T]AGTACCTGCATTGGACGAGGTGGACTCTGAAAGGTGCTCCCTACAGGAAGAGAGTGGCCA-3'